The following is an entry in ClinVar:

ClinVar aggregate classification (germline): Likely benign (1 of 4 stars; one submission).

Conditions:
Papillary renal cell carcinoma type 1 (RCCP1). Also called: Renal adenocarcinoma; Renal cell carcinoma 1; Renal cell carcinoma, somatic; RENAL CELL CARCINOMA, PAPILLARY, 1, SOMATIC. Identifiers: Orphanet 47044, MedGen C1336839, OMIM 605074, HP:0011797.

Submission:

Myriad Genetics, Inc.
Classification: Likely benign for Papillary renal cell carcinoma type 1. Last evaluated: 2024-11-12. Review status: criteria provided, single submitter. Criteria: Myriad Autosomal Dominant, Autosomal Recessive and X-Linked Classification Criteria (2023). Collection method: clinical testing. Allele origin: unknown.
Comment: This variant is considered likely benign. This variant is intronic and is not expected to impact mRNA splicing.

NM_000245.4(MET):c.2888-19T>C

Gene: MET (MET proto-oncogene, receptor tyrosine kinase; plus strand). Cytogenetic location: 7q31.2.
Variant type: single nucleotide variant.
Coding change: c.2888-19T>C on transcript NM_000245.4 (MANE Select); 19 bases into the intron before coding-DNA position 2888, T replaced by C.
Molecular consequence: intron variant.
Genome position (GRCh38, 1-based): chr7:116,771,830, T>C. VCF-style: chr7-116771830-T-C. GRCh37 (hg19) VCF-style: chr7-116411884-T-C.
Other names: c.2942-19T>C (NM_001127500.3); c.1598-19T>C (NM_001324402.2).
Identifiers: ClinVar variation 3773095 (VCV003773095.1).
Genomic context (GRCh38, chr7:116,771,830, plus strand): 5'-GTTCTGGGCACTGGGTCAAAGTCTCCTGGGGCCCATGATAGCCGTCTTTAACAAGCTCTT[T>C]CTTTCTCTCTGTTTTAAGATCTGGGCAGTGAATTAGTTCGCTACGATGCAAGAGTACACA-3'